The following is an entry in ClinVar:

NM_000535.7(PMS2):c.684C>T (p.Gly228=)

Gene: PMS2 (PMS1 homolog 2, mismatch repair system component; minus strand). Cytogenetic location: 7p22.1.
Variant type: single nucleotide variant.
Coding change: c.684C>T on transcript NM_000535.7 (MANE Select); coding-DNA position 684, C replaced by T.
Protein change: p.Gly228=; no amino-acid change (glycine 228 retained).
Molecular consequence: synonymous variant. On other transcripts: 5 prime UTR variant (2), non-coding transcript variant (1), intron variant (1).
Genome position (GRCh38, 1-based): chr7:5,999,129, G>A on the plus strand (C>T on the coding strand, the complement: PMS2 is on the minus strand). VCF-style: chr7-5999129-G-A. GRCh37 (hg19) VCF-style: chr7-6038760-G-A.
Other names: c.279C>T, p.Gly93= (NM_001322003.2, NM_001322004.2, NM_001322005.2 and 2 more transcripts); c.684C>T, p.Gly228= (NM_001322006.2, NM_001322014.2); c.366C>T, p.Gly122= (NM_001322007.2, NM_001322008.2); c.-250C>T (NM_001322011.2, NM_001322012.2); c.375C>T, p.Gly125= (NM_001322015.2); c.133-1706C>T (NM_001322013.2); c.684C>T (NM_000535.6).
Identifiers: ClinVar variation 220374 (VCV000220374.20), dbSNP rs371876208, ClinGen allele CA050894.

ClinVar aggregate classification (germline): Benign/Likely benign. Review status: criteria provided, multiple submitters, no conflicts (2 of 4 stars). 7 submissions from 7 submitters: Benign (1); Likely benign (5). 1 of the submissions does not count toward it. Last evaluated 2025-11-19.

Conditions:
Hereditary nonpolyposis colorectal neoplasms. Identifiers: MedGen C0009405, MeSH D003123.
Hereditary cancer-predisposing syndrome. Also called: Hereditary neoplastic syndrome; Tumor predisposition; Hereditary Cancer Syndrome; Neoplastic Syndromes, Hereditary. Identifiers: Orphanet 140162, MedGen C0027672, MeSH D009386, MONDO:0015356.
Lynch syndrome. Identifiers: Orphanet 144, MedGen C4552100, MONDO:0005835. Disease mechanism: loss of function.
Lynch syndrome 4 (LYNCH4). Also called: Colorectal cancer, hereditary nonpolyposis, type 4; Hereditary non-polyposis colorectal cancer, type 4. Identifiers: Orphanet 144, MedGen C1838333, MONDO:0013699, OMIM 614337. Disease mechanism: loss of function.

Allele frequency attached by ClinVar (database versions not stated): gnomAD exomes below 0.00001; ExAC 0.00001; TOPMed 0.00001; ESP Exome Variant Server 0.00008.
gnomAD v4.1: 1 of 1,613,970 alleles (0.000062%); highest among the groups gnomAD compares: African/African-American, 0.0013%; no homozygotes.

Submissions (7):

Labcorp Genetics (formerly Invitae), Labcorp
Classification: Likely benign for Hereditary nonpolyposis colorectal neoplasms. Last evaluated: 2025-11-19. Review status: criteria provided, single submitter. Criteria: Invitae Variant Classification Sherloc (09022015). Collection method: clinical testing. Allele origin: germline.

Myriad Genetics, Inc.
Classification: Benign for Lynch syndrome 4. Last evaluated: 2025-01-27. Review status: criteria provided, single submitter. Criteria: Myriad Autosomal Dominant, Autosomal Recessive and X-Linked Classification Criteria (2023). Collection method: clinical testing. Allele origin: unknown.
Comment: This variant is considered benign. This variant is a silent/synonymous amino acid change and it is not expected to impact splicing.

Women's Health and Genetics/Laboratory Corporation of America, LabCorp
Classification: Likely benign. Last evaluated: 2024-12-06. Review status: criteria provided, single submitter. Criteria: LabCorp Variant Classification Summary - May 2015. Collection method: clinical testing. Allele origin: germline.

All of Us Research Program, National Institutes of Health
Classification: Likely benign for Lynch syndrome. Last evaluated: 2024-02-05. Review status: criteria provided, single submitter. Criteria: ACMG Guidelines, 2015. Collection method: clinical testing. Allele origin: germline. Inheritance: Autosomal dominant inheritance. Observed: 1 variant allele, 1 heterozygote.
Comment: This study involves interpretation of variants in research participants for the purpose of population health screening. Participant phenotype was not available at the time of variant classification. Additional details can be found in publication PMID: 35346344, PMCID: PMC8962531

GeneDx
Classification: Likely benign. Last evaluated: 2017-04-11. Review status: criteria provided, single submitter. Criteria: GeneDx Variant Classification (06012015). Collection method: clinical testing. Allele origin: germline. Affected: yes.
Comment: This variant is considered likely benign or benign based on one or more of the following criteria: it is a conservative change, it occurs at a poorly conserved position in the protein, it is predicted to be benign by multiple in silico algorithms, and/or has population frequency not consistent with disease.

Ambry Genetics
Classification: Likely benign for Hereditary cancer-predisposing syndrome. Last evaluated: 2016-08-16. Review status: criteria provided, single submitter. Criteria: Ambry Variant Classification Scheme 2023. Collection method: clinical testing. Allele origin: germline.

Genetic Services Laboratory, University of Chicago
Classification: Likely benign. Last evaluated: 2022-06-20. Review status: no assertion criteria provided. Collection method: clinical testing. Allele origin: germline. Affected: no. Not counted in ClinVar's aggregate classification.